The following is an entry in ClinVar:

NM_020806.5(GPHN):c.157A>G (p.Ile53Val)

Gene: GPHN (gephyrin; plus strand). Cytogenetic location: 14q23.3.
Variant type: single nucleotide variant.
Coding change: c.157A>G on transcript NM_020806.5 (MANE Select); coding-DNA position 157, A replaced by G.
Protein change: p.Ile53Val; replaces isoleucine 53 with valine.
Molecular consequence: missense variant.
Genome position (GRCh38, 1-based): chr14:66,776,477, A>G. VCF-style: chr14-66776477-A-G. GRCh37 (hg19) VCF-style: chr14-67243195-A-G.
Other names: c.157A>G, p.Ile53Val (NM_001024218.2, NM_001377514.1, NM_001377515.1 and 4 more transcripts); short protein forms I53V.
Identifiers: ClinVar variation 2146130 (VCV002146130.4), dbSNP rs745706077, ClinGen allele CA7233667.
Genomic context (GRCh38, chr14:66,776,477, plus strand): 5'-TAAACACTATTGCTGGTTTTGAGAATATTTTCTTCTCCTAATTTCAGGTTGGGTGGGACT[A>G]TATCAGCATACAAGATAGTACCAGATGAAATAGAAGAAATCAAGGTATAGTATGGCATTT-3'
Protein context (NP_065857.1, residues 43-63): VQDPSLLGGT[Ile53Val]SAYKIVPDEI

ClinVar aggregate classification (germline): Uncertain significance (1 of 4 stars; one submission).

Conditions:
Sulfite oxidase deficiency due to molybdenum cofactor deficiency type C. Also called: Molybdenum cofactor deficiency, complementation group C; Molybdenum cofactor deficiency C. Identifiers: Orphanet 308400, Orphanet 833, MedGen C1854990, MONDO:0014212, OMIM 615501.

Allele frequency attached by ClinVar (database versions not stated): gnomAD exomes 0.00001; TOPMed 0.00001; gnomAD 0.00002; ExAC 0.00004.
gnomAD v4.1: 15 of 1,568,244 alleles (0.00096%); highest among the groups gnomAD compares: South Asian, 0.0033%; no homozygotes.

Submission:

Labcorp Genetics (formerly Invitae), Labcorp
Classification: Uncertain significance for Sulfite oxidase deficiency due to molybdenum cofactor deficiency type C. Last evaluated: 2024-07-31. Review status: criteria provided, single submitter. Criteria: Invitae Variant Classification Sherloc (09022015). Collection method: clinical testing. Allele origin: germline.
Comment: This sequence change replaces isoleucine, which is neutral and non-polar, with valine, which is neutral and non-polar, at codon 53 of the GPHN protein (p.Ile53Val). This variant is present in population databases (rs745706077, gnomAD 0.008%). This variant has not been reported in the literature in individuals affected with GPHN-related conditions. ClinVar contains an entry for this variant (Variation ID: 2146130). Advanced modeling of protein sequence and biophysical properties (such as structural, functional, and spatial information, amino acid conservation, physicochemical variation, residue mobility, and thermodynamic stability) performed at Invitae indicates that this missense variant is not expected to disrupt GPHN protein function with a negative predictive value of 80%. In summary, the available evidence is currently insufficient to determine the role of this variant in disease. Therefore, it has been classified as a Variant of Uncertain Significance.